The following is an entry in ClinVar:

NM_005257.6(GATA6):c.1757C>T (p.Pro586Leu)

Gene: GATA6 (GATA binding protein 6; plus strand). Cytogenetic location: 18q11.2.
Variant type: single nucleotide variant.
Coding change: c.1757C>T on transcript NM_005257.6 (MANE Select); coding-DNA position 1757, C replaced by T.
Protein change: p.Pro586Leu; replaces proline 586 with leucine.
Molecular consequence: missense variant.
Genome position (GRCh38, 1-based): chr18:22,200,792, C>T. VCF-style: chr18-22200792-C-T. GRCh37 (hg19) VCF-style: chr18-19780755-C-T.
Other names: short protein forms P586L.
Identifiers: ClinVar variation 949027 (VCV000949027.10), dbSNP rs749567667, ClinGen allele CA8909089.

ClinVar aggregate classification (germline): Uncertain significance. Review status: criteria provided, multiple submitters, no conflicts (2 of 4 stars). 2 submissions from 2 submitters: Uncertain significance (2). Last evaluated 2023-03-20.

Conditions:
Atrioventricular septal defect 5 (AVSD5). Identifiers: MedGen C3280939, MONDO:0013769, OMIM 614474.
Conotruncal heart malformations (CTHM). Also called: Conotruncal heart malformations, variable. Identifiers: Orphanet 2445, Orphanet 3384, Orphanet 3426, MedGen C1857586, MONDO:0016581, OMIM 217095.
Tetralogy of Fallot (TOF). Identifiers: Orphanet 3303, MedGen C0039685, MONDO:0008542, OMIM 187500, HP:0001636.
Atrial septal defect 9 (ASD9). Identifiers: Orphanet 1478, MedGen C3280943, MONDO:0013770, OMIM 614475.
Heart defects, congenital, and other congenital anomalies. Also called: PANCREATIC HYPOPLASIA, CONGENITAL, WITH DIABETES MELLITUS AND CONGENITAL HEART DISEASE; Pancreatic hypoplasia-diabetes-congenital heart disease syndrome. Identifiers: Orphanet 2255, MedGen C2931296, MONDO:0010802, OMIM 600001.

Allele frequency attached by ClinVar (database versions not stated): gnomAD 0.00001; TOPMed 0.00001; ExAC 0.00003.
gnomAD v4.1: 19 of 1,612,788 alleles (0.0012%); highest among the groups gnomAD compares: East Asian, 0.027%; no homozygotes.

Submissions (2):

Labcorp Genetics (formerly Invitae), Labcorp
Classification: Uncertain significance for Atrioventricular septal defect 5. Last evaluated: 2023-03-20. Review status: criteria provided, single submitter. Criteria: Invitae Variant Classification Sherloc (09022015). Collection method: clinical testing. Allele origin: germline.
Comment: This sequence change replaces proline, which is neutral and non-polar, with leucine, which is neutral and non-polar, at codon 586 of the GATA6 protein (p.Pro586Leu). This variant is present in population databases (rs749567667, gnomAD 0.04%). This variant has not been reported in the literature in individuals affected with GATA6-related conditions. ClinVar contains an entry for this variant (Variation ID: 949027). An algorithm developed to predict the effect of missense changes on protein structure and function (PolyPhen-2) suggests that this variant is likely to be tolerated. In summary, the available evidence is currently insufficient to determine the role of this variant in disease. Therefore, it has been classified as a Variant of Uncertain Significance.

Department of Pathology and Laboratory Medicine, Sinai Health System
Classification: Uncertain significance for Tetralogy of Fallot; Conotruncal heart malformations; Heart defects, congenital, and other congenital anomalies; Atrioventricular septal defect 5; Atrial septal defect 9. Last evaluated: 2022-11-08. Review status: criteria provided, single submitter. Criteria: ACMG Guidelines, 2015. Collection method: research. Allele origin: germline.